The following is an entry in ClinVar:

ClinVar aggregate classification (germline): Conflicting classifications of pathogenicity. Review status: criteria provided, conflicting classifications (1 of 4 stars). 3 submissions from 3 submitters: Likely pathogenic (1); Uncertain significance (2). Last evaluated 2024-08-06.

Conditions:
Hereditary cancer-predisposing syndrome. Also called: Neoplastic Syndromes, Hereditary; Tumor predisposition; Hereditary neoplastic syndrome; Hereditary Cancer Syndrome. Identifiers: Orphanet 140162, MedGen C0027672, MeSH D009386, MONDO:0015356.
Cardiovascular phenotype. Identifiers: MedGen CN230736.
Noonan syndrome 2 (NS2). Identifiers: Orphanet 648, MedGen C1854469, MONDO:0011531, OMIM 605275.
LZTR1-related schwannomatosis. Also called: Schwannomatosis-2, susceptibility to; Schwannomatosis 2. Identifiers: Orphanet 93921, MedGen C3810283, MONDO:0014299, OMIM 615670.
Noonan syndrome 10 (NS10). Identifiers: Orphanet 648, MedGen C4225280, MONDO:0014693, OMIM 616564.

Allele frequency attached by ClinVar (database versions not stated): gnomAD exomes below 0.00001.
gnomAD v4.1: 1 of 1,612,844 alleles (0.000062%); highest among the groups gnomAD compares: Non-Finnish European, 0.000085%; no homozygotes.

Submissions (3):

Ambry Genetics
Classification: Likely pathogenic for Cardiovascular phenotype; Hereditary cancer-predisposing syndrome. Last evaluated: 2024-08-06. Review status: criteria provided, single submitter. Criteria: Ambry Variant Classification Scheme 2023. Collection method: clinical testing. Allele origin: germline.
Comment: The c.510-6C>G intronic variant results from a C to G substitution 6 nucleotides upstream from coding exon 6 in the LZTR1 gene. This nucleotide position is not well conserved in available vertebrate species. In silico splice site analysis predicts that this alteration will weaken the native splice acceptor site and will result in the creation or strengthening of a novel splice acceptor site. RNA studies have demonstrated that this alteration results in abnormal splicing in the set of samples tested (Ambry internal data). Loss-of-function variants in LZTR1 are related to an increased risk for schwannomas and autosomal recessive Noonan syndrome; however, such associations with autosomal dominant Noonan syndrome have not been observed (Piotrowski A et al. Nat Genet. 2014 Feb;46:182-7; Yamamoto GL et al. J Med Genet. 2015 Jun;52:413-21; Johnston JJ et al. Genet Med. 2018 10;20:1175-1185). Based on the supporting evidence, this variant is likely pathogenic for an increased risk of LZTR1-related schwannomatosis (SWN) and would be expected to cause autosomal recessive Noonan syndrome when present along with a second pathogenic or likely pathogenic variant on the other allele; however, the association of this alteration with autosomal dominant Noonan syndrome is unlikely.

Labcorp Genetics (formerly Invitae), Labcorp
Classification: Uncertain significance. Last evaluated: 2024-06-21. Review status: criteria provided, single submitter. Criteria: Invitae Variant Classification Sherloc (09022015). Collection method: clinical testing. Allele origin: germline.
Comment: This sequence change falls in intron 5 of the LZTR1 gene. It does not directly change the encoded amino acid sequence of the LZTR1 protein. This variant is not present in population databases (gnomAD no frequency). This variant has not been reported in the literature in individuals affected with LZTR1-related conditions. Algorithms developed to predict the effect of sequence changes on RNA splicing suggest that this variant may disrupt the consensus splice site. In summary, the available evidence is currently insufficient to determine the role of this variant in disease. Therefore, it has been classified as a Variant of Uncertain Significance.

Fulgent Genetics
Classification: Uncertain significance for Noonan syndrome 2; LZTR1-related schwannomatosis; Noonan syndrome 10. Last evaluated: 2024-04-06. Review status: criteria provided, single submitter. Criteria: ACMG Guidelines, 2015. Collection method: clinical testing. Allele origin: germline.

NM_006767.4(LZTR1):c.510-6C>G

Gene: LZTR1 (leucine zipper like post translational regulator 1; plus strand). Cytogenetic location: 22q11.21.
Variant type: single nucleotide variant.
Coding change: c.510-6C>G on transcript NM_006767.4 (MANE Select); 6 bases into the intron before coding-DNA position 510, C replaced by G.
Molecular consequence: intron variant.
Genome position (GRCh38, 1-based): chr22:20,988,783, C>G. VCF-style: chr22-20988783-C-G. GRCh37 (hg19) VCF-style: chr22-21343072-C-G.
Other names: c.510-6C>G (NM_006767.3).
Identifiers: ClinVar variation 3017671 (VCV003017671.4), dbSNP rs2518614015, ClinGen allele CA2524898334.